The following is an entry in ClinVar:

ClinVar aggregate classification (germline): Pathogenic (1 of 4 stars; one submission).

Conditions:
Global developmental delay with speech and behavioral abnormalities. Identifiers: MedGen C5543226, MONDO:0030995, OMIM 619243.

Submission:

Women's Health and Genetics/Laboratory Corporation of America, LabCorp
Classification: Pathogenic for Global developmental delay with speech and behavioral abnormalities. Last evaluated: 2026-04-24. Review status: criteria provided, single submitter. Criteria: LabCorp Variant Classification Summary - May 2015. Collection method: clinical testing. Allele origin: germline.
Comment: Variant summary: TNRC6B c.2960delA (p.Lys987SerfsX60) results in a premature termination codon, predicted to cause a truncation of the encoded protein or absence of the protein due to nonsense mediated decay, which are commonly known mechanisms for disease. The variant was absent in 77048 control chromosomes. To our knowledge, no occurrence of c.2960delA in individuals affected with TNRC6B-related conditions and no experimental evidence demonstrating its impact on protein function have been reported. No submitters have cited clinical-significance assessments for this variant to ClinVar. Based on the evidence outlined above, the variant was classified as pathogenic.

NM_001162501.2(TNRC6B):c.2960del (p.Lys987fs)

Gene: TNRC6B (trinucleotide repeat containing adaptor 6B; plus strand). Cytogenetic location: 22q13.1.
Variant type: Deletion.
Coding change: c.2960del on transcript NM_001162501.2 (MANE Select); coding-DNA position 2960, one base deleted (A; older notation c.2960delA).
Protein change: p.Lys987fs; shifts the reading frame from lysine 987.
Molecular consequence: frameshift variant. On other transcripts: intron variant (1).
Genome position (GRCh38, 1-based): chr22:40,270,275, A deleted; the last of 2 consecutive A bases (chr22:40,270,274-40,270,275); deleting either gives the same sequence. VCF-style (leftmost placement, unchanged base first): chr22-40270273-GA-G. GRCh37 (hg19) VCF-style: chr22-40666277-GA-G.
Other names: c.2960delA (NM_001162501.2); c.719del, p.Lys240fs (NM_001024843.2); c.2807-3150del (NM_015088.3); short protein forms K240fs, K987fs.
Identifiers: ClinVar variation 4849115 (VCV004849115.1).